The following is an entry in ClinVar:

ClinVar aggregate classification (germline): Conflicting classifications of pathogenicity. Review status: criteria provided, conflicting classifications (1 of 4 stars). 3 submissions from 3 submitters: Uncertain significance (1); Likely benign (1). 1 of the submissions does not count toward it. Last evaluated 2025-10-02.

Conditions:
TH-related disorder. Also called: TH-related condition.
TH-deficient dopa-responsive dystonia. Also called: DYT-TH; Tyrosine Hydroxylase-Deficient Dopa-Responsive Dystonia; Segawa syndrome, autosomal recessive. Identifiers: Orphanet 101150, MedGen C2673535, MONDO:0011551, OMIM 605407.

gnomAD v4.1: 108 of 1,543,794 alleles (0.007%); highest among the groups gnomAD compares: Non-Finnish European, 0.0093%; 1 homozygote.

Submissions (3):

Labcorp Genetics (formerly Invitae), Labcorp
Classification: Likely benign for TH-deficient dopa-responsive dystonia. Last evaluated: 2025-10-02. Review status: criteria provided, single submitter. Criteria: Invitae Variant Classification Sherloc (09022015). Collection method: clinical testing. Allele origin: germline.

GeneDx
Classification: Uncertain significance. Last evaluated: 2024-12-27. Review status: criteria provided, single submitter. Criteria: GeneDx Variant Classification Process June 2021. Collection method: clinical testing. Allele origin: germline. Affected: yes.
Comment: In silico analysis indicates that this variant does not alter splicing; Has not been previously published as pathogenic or benign to our knowledge

PreventionGenetics, part of Exact Sciences
Classification: Likely benign for TH-related condition. Last evaluated: 2019-09-13. Review status: no assertion criteria provided. Collection method: clinical testing. Allele origin: germline. Not counted in ClinVar's aggregate classification.
Comment: This variant is classified as likely benign based on ACMG/AMP sequence variant interpretation guidelines (Richards et al. 2015 PMID: 25741868, with internal and published modifications).

NM_000360.4(TH):c.1390C>T (p.Leu464=)

Gene: TH (tyrosine hydroxylase; minus strand). Cytogenetic location: 11p15.5.
Variant type: single nucleotide variant.
Coding change: c.1390C>T on transcript NM_000360.4 (MANE Select); coding-DNA position 1390, C replaced by T.
Protein change: p.Leu464=; no amino-acid change (leucine 464 retained).
Molecular consequence: synonymous variant.
Genome position (GRCh38, 1-based): chr11:2,164,337, G>A on the plus strand (C>T on the coding strand, the complement: TH is on the minus strand). VCF-style: chr11-2164337-G-A. GRCh37 (hg19) VCF-style: chr11-2185567-G-A.
Other names: c.1483C>T (NM_199292.2); c.1483C>T, p.Leu495= (NM_199292.3); c.1471C>T, p.Leu491= (NM_199293.3).
Identifiers: ClinVar variation 1104565 (VCV001104565.12), dbSNP rs777421313, ClinGen allele CA5818253.